The following is an entry in ClinVar:

ClinVar aggregate classification (germline): Likely pathogenic (1 of 4 stars; one submission).

Conditions:
Autosomal recessive osteopetrosis 1. Also called: ALBERS-SCHONBERG DISEASE, AUTOSOMAL RECESSIVE; TCIRG1-Related Autosomal Recessive Osteopetrosis; TCIRG1-Related Osteopetrosis. Identifiers: Orphanet 667, MedGen C1850127, MONDO:0009815, OMIM 259700.

Submission:

Natera, Inc.
Classification: Likely pathogenic for Infantile malignant osteopetrosis. Last evaluated: 2025-03-10. Review status: criteria provided, single submitter. Criteria: Natera Variant Classification Schema (03/2026). Collection method: clinical testing. Allele origin: germline.
Comment: The c.328del variant in TCIRG1 is a frameshift variant predicted to shift the reading frame beginning at codon 110 and leads to a stop codon 56 codons downstream. This variant is expected to result in nonsense mediated decay, truncation, or a dysfunctional protein product. This variant is rare in the general population with a frequency below the threshold expected for the associated phenotype(s). Given the available evidence, this variant is classified as Likely Pathogenic.

NM_006019.4(TCIRG1):c.328del (p.Asp110fs)

Gene: TCIRG1 (T cell immune regulator 1, ATPase H+ transporting V0 subunit a3; plus strand). Cytogenetic location: 11q13.2.
Variant type: Deletion.
Coding change: c.328del on transcript NM_006019.4 (MANE Select); coding-DNA position 328, one base deleted (G; older notation c.328delG).
Protein change: p.Asp110fs; shifts the reading frame from aspartic acid 110.
Molecular consequence: frameshift variant. On other transcripts: 5 prime UTR variant (1).
Genome position (GRCh38, 1-based): chr11:68,042,774, G deleted; the last of 3 consecutive G bases (chr11:68,042,772-68,042,774); deleting any one gives the same sequence. VCF-style (leftmost placement, unchanged base first): chr11-68042771-CG-C. GRCh37 (hg19) VCF-style: chr11-67810238-CG-C.
Other names: c.-922del (NM_001351059.2); short protein forms D110fs.
Identifiers: ClinVar variation 4062060 (VCV004062060.2).
Genomic context (GRCh38, chr11:68,042,771, plus strand): 5'-CCCCCACCCCGGGACCTGCTGCGCATCCAGGAGGAGACGGAGCGCCTGGCCCAGGAGCTG[CG>C]GGATGTGCGGGGCAACCAGCAGGCCCTGCGGGCCCAGCTGCACCAGCTGCAGCTCCACGC-3'